The following is an entry in ClinVar:

NC_000016.9:g.(?_69680960)_(72146396_?)dup

Genes: MARVELD3 (MARVEL domain containing 3; plus strand), MIR140 (microRNA 140; plus strand), MTSS2 (MTSS I-BAR domain containing 2; minus strand), NFAT5 (nuclear factor of activated T cells 5; plus strand), PKD1L3 (polycystin 1 like 3, transient receptor potential channel interacting; minus strand) and 34 more. Cytogenetic location: 16q22.1-22.2.
Variant type: Duplication.
Identifiers: ClinVar variation 1441673 (VCV001441673.1).

ClinVar aggregate classification (germline): Uncertain significance (1 of 4 stars; one submission).

Conditions:
Immunodeficiency. Identifiers: MedGen C0021051, MONDO:0021094, HP:0002721.

Submission:

Labcorp Genetics (formerly Invitae), Labcorp
Classification: Uncertain significance for Immunodeficiency. Last evaluated: 2020-11-27. Review status: criteria provided, single submitter. Criteria: Invitae Variant Classification Sherloc (09022015). Collection method: clinical testing. Allele origin: germline.
Comment: A copy number gain of the genomic region encompassing the full coding sequence of the NFAT5 gene has been identified. The boundaries of this event are unknown as they extend beyond the assayed region for this gene and therefore may encompass additional genes. As the precise location of this event is unknown, it may be in tandem or it may be located elsewhere in the genome. This variant has not been reported in the literature in individuals with NFAT5-related conditions. In summary, the available evidence is currently insufficient to determine the role of this variant in disease. Therefore, it has been classified as a Variant of Uncertain Significance.